The following is an entry in ClinVar:

NM_000481.4(AMT):c.184C>T (p.Arg62Trp)

Gene: AMT (aminomethyltransferase; minus strand). Cytogenetic location: 3p21.31.
Variant type: single nucleotide variant.
Coding change: c.184C>T on transcript NM_000481.4 (MANE Select); coding-DNA position 184, C replaced by T.
Protein change: p.Arg62Trp; replaces arginine 62 with tryptophan.
Molecular consequence: missense variant. On other transcripts: non-coding transcript variant (1), intron variant (1).
Genome position (GRCh38, 1-based): chr3:49,422,178, G>A on the plus strand (C>T on the coding strand, the complement: AMT is on the minus strand). VCF-style: chr3-49422178-G-A. GRCh37 (hg19) VCF-style: chr3-49459611-G-A.
Other names: c.184C>T, p.Arg62Trp (NM_001164710.2, NM_001164712.2); c.90+183C>T (NM_001164711.2); short protein forms R62W.
Identifiers: ClinVar variation 2198317 (VCV002198317.2), dbSNP rs779008890, ClinGen allele CA2398457.

ClinVar aggregate classification (germline): Uncertain significance. Review status: criteria provided, multiple submitters, no conflicts (2 of 4 stars). 2 submissions from 2 submitters: Uncertain significance (2). Last evaluated 2022-08-20.

Conditions:
Inborn genetic diseases. Identifiers: MedGen C0950123, MeSH D030342.
Glycine encephalopathy. Also called: Nonketotic hyperglycinemia; Non-ketotic hyperglycinemia. Identifiers: Orphanet 407, MedGen C0751748, MONDO:0011612, HP:0008288.

Allele frequency attached by ClinVar (database versions not stated): ExAC 0.00001; gnomAD 0.00001; gnomAD exomes 0.00001; TOPMed 0.00001.
gnomAD v4.1: 17 of 1,613,870 alleles (0.0011%); highest among the groups gnomAD compares: Admixed American, 0.0033%; no homozygotes.

Submissions (2):

Labcorp Genetics (formerly Invitae), Labcorp
Classification: Uncertain significance for Glycine encephalopathy. Last evaluated: 2022-08-20. Review status: criteria provided, single submitter. Criteria: Invitae Variant Classification Sherloc (09022015). Collection method: clinical testing. Allele origin: germline.
Comment: This sequence change replaces arginine, which is basic and polar, with tryptophan, which is neutral and slightly polar, at codon 62 of the AMT protein (p.Arg62Trp). This variant is present in population databases (rs779008890, gnomAD 0.003%). This variant has not been reported in the literature in individuals affected with AMT-related conditions. Advanced modeling of protein sequence and biophysical properties (such as structural, functional, and spatial information, amino acid conservation, physicochemical variation, residue mobility, and thermodynamic stability) performed at Invitae indicates that this missense variant is not expected to disrupt AMT protein function. In summary, the available evidence is currently insufficient to determine the role of this variant in disease. Therefore, it has been classified as a Variant of Uncertain Significance.

Ambry Genetics
Classification: Uncertain significance for Inborn genetic diseases. Last evaluated: 2022-07-26. Review status: criteria provided, single submitter. Criteria: Ambry Variant Classification Scheme 2023. Collection method: clinical testing. Allele origin: germline.